The following is an entry in ClinVar:

NM_080425.4(GNAS):c.1524C>G (p.Ala508=)

Gene: GNAS (GNAS complex locus; plus strand). Cytogenetic location: 20q13.32.
Variant type: single nucleotide variant.
Coding change: c.1524C>G on transcript NM_080425.4 (MANE Plus Clinical); coding-DNA position 1524, C replaced by G.
Protein change: p.Ala508=; no amino-acid change (alanine 508 retained).
Molecular consequence: synonymous variant. On other transcripts: missense variant (2), intron variant (3).
Genome position (GRCh38, 1-based): chr20:58,854,789, C>G. VCF-style: chr20-58854789-C-G. GRCh37 (hg19) VCF-style: chr20-57429844-C-G.
Other names: c.1337C>G, p.Pro446Arg (NM_001077490.3, NM_001309883.1); c.1524C>G, p.Ala508= (NM_001410913.1); c.*42+13903C>G (NM_016592.5); c.43+13903C>G (NM_001410912.1); c.-39+12914C>G (NM_001309861.2); short protein forms P446R.
Identifiers: ClinVar variation 4988631 (VCV004988631.1).
Genomic context (GRCh38, chr20:58,854,789, plus strand): 5'-CCCAGCTGCGCCAGACGCAGGGGCTCCCACTGCCCCAGCCGCTTCTGCCACCCGGGCAGC[C>G]CAAGTCCGCCGGGCGGCCTCTGCAGCCCCTGCCTCCGGGGCCAGACGCAAGATCCATCTC-3'
Protein context (NP_536350.2, residues 498-518): TAPAASATRA[Ala508=]QVRRAASAAP

ClinVar aggregate classification (germline): Uncertain significance (1 of 4 stars; one submission).

Conditions:
GNAS-related disorder. Identifiers: MedGen CN380105.

Submission:

PreventionGenetics, part of Exact Sciences
Classification: Uncertain significance for GNAS-related condition. Last evaluated: 2026-07-10. Review status: criteria provided, single submitter. Criteria: ACMG Guidelines, 2015. Collection method: clinical testing. Allele origin: germline.
Comment: The GNAS c.1337C>G variant is predicted to result in the amino acid substitution p.Pro446Arg. This variant is also designated c.-36938C>G (pre-coding) using transcript NM_000516.5. To our knowledge, this variant has not been reported in the literature. This variant has not been reported in a large population database; however, the coverage of this variant should be interpreted with caution. At this time, the clinical significance of this variant is uncertain due to the absence of conclusive functional and genetic evidence.